The following is an entry in ClinVar:

NM_006642.5(SDCCAG8):c.741-146G>A

Gene: SDCCAG8 (SHH signaling and ciliogenesis regulator SDCCAG8; plus strand). Cytogenetic location: 1q43.
Variant type: single nucleotide variant.
Coding change: c.741-146G>A on transcript NM_006642.5 (MANE Select); 146 bases into the intron before coding-DNA position 741, G replaced by A.
Molecular consequence: intron variant. On other transcripts: 5 prime UTR variant (3).
Genome position (GRCh38, 1-based): chr1:243,307,843, G>A. VCF-style: chr1-243307843-G-A. GRCh37 (hg19) VCF-style: chr1-243471145-G-A.
Other names: c.-204G>A (NM_001350246.2, NM_001350247.2, NM_001350251.2); c.447-146G>A (NM_001350249.2); c.837-146G>A (NM_001350248.2).
Identifiers: ClinVar variation 4995176 (VCV004995176.1).

ClinVar aggregate classification (germline): Likely benign (1 of 4 stars; one submission).

Conditions:
SDCCAG8-related disorder. Also called: SDCCAG8-related condition; SDCCAG8-Related Disorders.

gnomAD v4.1: 2 of 1,487,254 alleles (0.00013%); highest among the groups gnomAD compares: Admixed American, 0.0024%; no homozygotes.

Submission:

PreventionGenetics, part of Exact Sciences
Classification: Likely benign for SDCCAG8-related condition. Last evaluated: 2025-12-11. Review status: criteria provided, single submitter. Criteria: ACMG Guidelines, 2015. Collection method: clinical testing. Allele origin: germline.
Comment: This variant is classified as likely benign based on ACMG/AMP sequence variant interpretation guidelines (Richards et al. 2015 PMID: 25741868, with internal and published modifications).